The following is an entry in ClinVar:

NM_000540.3(RYR1):c.3994G>A (p.Glu1332Lys)

Gene: RYR1 (ryanodine receptor 1; plus strand). Cytogenetic location: 19q13.2.
Variant type: single nucleotide variant.
Coding change: c.3994G>A on transcript NM_000540.3 (MANE Select); coding-DNA position 3994, G replaced by A.
Protein change: p.Glu1332Lys; replaces glutamic acid 1332 with lysine.
Molecular consequence: missense variant.
Genome position (GRCh38, 1-based): chr19:38,473,605, G>A. VCF-style: chr19-38473605-G-A. GRCh37 (hg19) VCF-style: chr19-38964245-G-A.
Other names: c.3994G>A, p.Glu1332Lys (NM_001042723.2); short protein forms E1332K.
Identifiers: ClinVar variation 1472262 (VCV001472262.11), dbSNP rs896157692, ClinGen allele CA308079739.

ClinVar aggregate classification (germline): Uncertain significance. Review status: criteria provided, multiple submitters, no conflicts (2 of 4 stars). 4 submissions from 4 submitters: Uncertain significance (4). Last evaluated 2026-01-06.

Conditions:
RYR1-related disorder. Also called: RYR1-related condition; RYR1-related disorders. Identifiers: MedGen CN239331.
Malignant hyperthermia, susceptibility to, 1 (MHS1). Also called: Anesthesia related hyperthermia; Malignant hyperpyrexia; Fulminating hyperpyrexia; Pharmacogenic myopathy; RYR1-Related Malignant Hyperthermia Susceptibility; Malignant hyperthermia suceptibility 1. Identifiers: Orphanet 423, MedGen C2930980, MONDO:0007783, OMIM 145600.

Allele frequency attached by ClinVar (database versions not stated): gnomAD 0.00002; gnomAD exomes 0.00002 and 0.00006; TOPMed 0.00002.
gnomAD v4.1: 89 of 1,574,146 alleles (0.0057%); highest among the groups gnomAD compares: Non-Finnish European, 0.0071%; no homozygotes.

Submissions (4):

GeneDx
Classification: Uncertain significance. Last evaluated: 2026-01-06. Review status: criteria provided, single submitter. Criteria: GeneDx Variant Classification Process June 2021. Collection method: clinical testing. Allele origin: germline. Affected: yes.
Comment: Not observed at significant frequency in large population cohorts (gnomAD); In silico analysis supports that this missense variant has a deleterious effect on protein structure/function; This variant is associated with the following publications: (PMID: 35982159)

Revvity Omics, Revvity
Classification: Uncertain significance. Last evaluated: 2024-03-22. Review status: criteria provided, single submitter. Criteria: ACMG Guidelines, 2015. Collection method: clinical testing. Allele origin: germline.

Color Diagnostics, LLC DBA Color Health
Classification: Uncertain significance for Malignant hyperthermia, susceptibility to, 1. Last evaluated: 2024-02-07. Review status: criteria provided, single submitter. Criteria: ACMG Guidelines, 2015. Collection method: clinical testing. Allele origin: germline.
Comment: This missense variant replaces glutamic acid with lysine at codon 1332 of the RYR1 protein. Computational prediction is inconclusive regarding the impact of this variant on protein structure and function. To our knowledge, functional studies have not been reported for this variant. This variant has not been reported in individuals affected with RYR1-related disorders in the literature. This variant has been identified in 5/208300 chromosomes in the general population by the Genome Aggregation Database (gnomAD). The available evidence is insufficient to determine the role of this variant in disease conclusively. Therefore, this variant is classified as a Variant of Uncertain Significance.

Labcorp Genetics (formerly Invitae), Labcorp
Classification: Uncertain significance for RYR1-related disorder. Last evaluated: 2022-06-20. Review status: criteria provided, single submitter. Criteria: Invitae Variant Classification Sherloc (09022015). Collection method: clinical testing. Allele origin: germline.
Comment: This sequence change replaces glutamic acid, which is acidic and polar, with lysine, which is basic and polar, at codon 1332 of the RYR1 protein (p.Glu1332Lys). The frequency data for this variant in the population databases is considered unreliable, as metrics indicate poor data quality at this position in the gnomAD database. This variant has not been reported in the literature in individuals affected with RYR1-related conditions. Advanced modeling of protein sequence and biophysical properties (such as structural, functional, and spatial information, amino acid conservation, physicochemical variation, residue mobility, and thermodynamic stability) performed at Invitae indicates that this missense variant is expected to disrupt RYR1 protein function. In summary, the available evidence is currently insufficient to determine the role of this variant in disease. Therefore, it has been classified as a Variant of Uncertain Significance.